The following is an entry in ClinVar:

NM_001330078.2(NRXN1):c.3932C>T (p.Ala1311Val)

Gene: NRXN1 (neurexin 1; minus strand). Cytogenetic location: 2p16.3.
Variant type: single nucleotide variant.
Coding change: c.3932C>T on transcript NM_001330078.2 (MANE Select); coding-DNA position 3932, C replaced by T.
Protein change: p.Ala1311Val; replaces alanine 1311 with valine.
Molecular consequence: missense variant.
Genome position (GRCh38, 1-based): chr2:50,053,467, G>A on the plus strand (C>T on the coding strand, the complement: NRXN1 is on the minus strand). VCF-style: chr2-50053467-G-A. GRCh37 (hg19) VCF-style: chr2-50280605-G-A.
Other names: c.4052C>T, p.Ala1351Val (NM_001135659.3); c.3908C>T, p.Ala1303Val (NM_001330077.2, NM_001330082.2); c.3776C>T, p.Ala1259Val (NM_001330083.2); c.3866C>T, p.Ala1289Val (NM_001330084.2); c.3905C>T, p.Ala1302Val (NM_001330085.2); c.3932C>T, p.Ala1311Val (NM_001330086.2); c.3731C>T, p.Ala1244Val (NM_001330087.2, NM_001330096.2); c.3761C>T, p.Ala1254Val (NM_001330088.2); and 7 more; short protein forms A1264V, A1281V, A1303V, A1351V, A1259V, A1244V, A1254V, A1307V.
Identifiers: ClinVar variation 2199459 (VCV002199459.5), dbSNP rs775279534, ClinGen allele CA1654329.

ClinVar aggregate classification (germline): Uncertain significance. Review status: criteria provided, multiple submitters, no conflicts (2 of 4 stars). 2 submissions from 2 submitters: Uncertain significance (2). Last evaluated 2025-06-07.

Conditions:
Inborn genetic diseases. Identifiers: MedGen C0950123, MeSH D030342.
Pitt-Hopkins-like syndrome 2 (PTHSL2). Identifiers: Orphanet 221150, Orphanet 600663, MedGen C3280479, MONDO:0013690, OMIM 614325.

Allele frequency attached by ClinVar (database versions not stated): gnomAD exomes below 0.00001; ExAC 0.00001; gnomAD 0.00001.
gnomAD v4.1: 4 of 1,613,906 alleles (0.00025%); highest among the groups gnomAD compares: Non-Finnish European, 0.00034%; no homozygotes.

Submissions (2):

Ambry Genetics
Classification: Uncertain significance for Inborn genetic diseases. Last evaluated: 2025-06-07. Review status: criteria provided, single submitter. Criteria: Ambry Variant Classification Scheme 2023. Collection method: clinical testing. Allele origin: germline.

Labcorp Genetics (formerly Invitae), Labcorp
Classification: Uncertain significance for Pitt-Hopkins-like syndrome 2. Last evaluated: 2024-03-19. Review status: criteria provided, single submitter. Criteria: Invitae Variant Classification Sherloc (09022015). Collection method: clinical testing. Allele origin: germline.
Comment: This sequence change replaces alanine, which is neutral and non-polar, with valine, which is neutral and non-polar, at codon 1351 of the NRXN1 protein (p.Ala1351Val). This variant is present in population databases (rs775279534, gnomAD 0.002%). This variant has not been reported in the literature in individuals affected with NRXN1-related conditions. ClinVar contains an entry for this variant (Variation ID: 2199459). Advanced modeling of protein sequence and biophysical properties (such as structural, functional, and spatial information, amino acid conservation, physicochemical variation, residue mobility, and thermodynamic stability) performed at Invitae indicates that this missense variant is not expected to disrupt NRXN1 protein function with a negative predictive value of 80%. In summary, the available evidence is currently insufficient to determine the role of this variant in disease. Therefore, it has been classified as a Variant of Uncertain Significance.